The following is an entry in ClinVar:

ClinVar aggregate classification (germline): Uncertain significance (1 of 4 stars; one submission).

Allele frequency attached by ClinVar (database versions not stated): gnomAD exomes below 0.00001; gnomAD 0.00001; TOPMed 0.00001.

Submission:

Labcorp Genetics (formerly Invitae), Labcorp
Classification: Uncertain significance. Last evaluated: 2022-09-19. Review status: criteria provided, single submitter. Criteria: Invitae Variant Classification Sherloc (09022015). Collection method: clinical testing. Allele origin: germline.
Comment: In summary, the available evidence is currently insufficient to determine the role of this variant in disease. Therefore, it has been classified as a Variant of Uncertain Significance. Algorithms developed to predict the effect of missense changes on protein structure and function are either unavailable or do not agree on the potential impact of this missense change (SIFT: "Deleterious"; PolyPhen-2: "Possibly Damaging"; Align-GVGD: "Class C15"). ClinVar contains an entry for this variant (Variation ID: 998762). This variant has not been reported in the literature in individuals affected with CFAP410-related conditions. The frequency data for this variant in the population databases is considered unreliable, as metrics indicate poor data quality at this position in the gnomAD database. This sequence change replaces arginine, which is basic and polar, with cysteine, which is neutral and slightly polar, at codon 247 of the CFAP410 protein (p.Arg247Cys).

NM_004928.3(CFAP410):c.739C>T (p.Arg247Cys)

Gene: CFAP410 (cilia and flagella associated protein 410; minus strand). Cytogenetic location: 21q22.3.
Variant type: single nucleotide variant.
Coding change: c.739C>T on transcript NM_004928.3 (MANE Select); coding-DNA position 739, C replaced by T.
Protein change: p.Arg247Cys; replaces arginine 247 with cysteine.
Molecular consequence: missense variant.
Genome position (GRCh38, 1-based): chr21:44,330,230, G>A on the plus strand (C>T on the coding strand, the complement: CFAP410 is on the minus strand). VCF-style: chr21-44330230-G-A. GRCh37 (hg19) VCF-style: chr21-45750113-G-A.
Other names: c.736C>T, p.Arg246Cys (NM_001271440.2); c.1096C>T, p.Arg366Cys (NM_001271441.2); c.613C>T, p.Arg205Cys (NM_001271442.1); short protein forms R205C, R246C, R247C, R366C.
Identifiers: ClinVar variation 998762 (VCV000998762.10), dbSNP rs1175428234, ClinGen allele CA410448173.
Genomic context (GRCh38, chr21:44,330,230, plus strand): 5'-AGGCTGGAGCGGCGTTCAGGTCCTGCGGTCACTCGGCGTGCTCCTGCACCTCTTCCCCAC[G>A]CAGGGCCTGCAGCCGGCTGCCCACAGTCTGCTGCACGGCCTCCAGCCCCTCTGCATCCAG-3'
Protein context (NP_004919.1, residues 237-256): QTVGSRLQAL[Arg247Cys]GEEVQEHAE